The following is an entry in ClinVar:

ClinVar aggregate classification (germline): Uncertain significance (1 of 4 stars; one submission).

Submission:

Labcorp Genetics (formerly Invitae), Labcorp
Classification: Uncertain significance. Last evaluated: 2023-01-06. Review status: criteria provided, single submitter. Criteria: Invitae Variant Classification Sherloc (09022015). Collection method: clinical testing. Allele origin: germline.
Comment: This sequence change replaces leucine, which is neutral and non-polar, with isoleucine, which is neutral and non-polar, at codon 1671 of the CUL7 protein (p.Leu1671Ile). This variant is not present in population databases (gnomAD no frequency). In summary, the available evidence is currently insufficient to determine the role of this variant in disease. Therefore, it has been classified as a Variant of Uncertain Significance. Algorithms developed to predict the effect of missense changes on protein structure and function are either unavailable or do not agree on the potential impact of this missense change (SIFT: "Tolerated"; PolyPhen-2: "Probably Damaging"; Align-GVGD: "Class C0"). This variant has not been reported in the literature in individuals affected with CUL7-related conditions.

NM_014780.5(CUL7):c.5011C>A (p.Leu1671Ile)

Gene: CUL7 (cullin 7; minus strand). Cytogenetic location: 6p21.1.
Variant type: single nucleotide variant.
Coding change: c.5011C>A on transcript NM_014780.5 (MANE Select); coding-DNA position 5011, C replaced by A.
Protein change: p.Leu1671Ile; replaces leucine 1671 with isoleucine.
Molecular consequence: missense variant.
Genome position (GRCh38, 1-based): chr6:43,037,774, G>T on the plus strand (C>A on the coding strand, the complement: CUL7 is on the minus strand). VCF-style: chr6-43037774-G-T. GRCh37 (hg19) VCF-style: chr6-43005512-G-T.
Other names: c.5107C>A, p.Leu1703Ile (NM_001168370.2, NM_001374872.1); c.5023C>A, p.Leu1675Ile (NM_001374873.1); c.5008C>A, p.Leu1670Ile (NM_001374874.1); short protein forms L1703I, L1675I, L1670I, L1671I.
Identifiers: ClinVar variation 2876123 (VCV002876123.3), dbSNP rs748715099, ClinGen allele CA364179524.